The following is an entry in ClinVar:

NM_000440.3(PDE6A):c.974G>A (p.Gly325Asp)

Gene: PDE6A (phosphodiesterase 6A; minus strand). Cytogenetic location: 5q32.
Variant type: single nucleotide variant.
Coding change: c.974G>A on transcript NM_000440.3 (MANE Select); coding-DNA position 974, G replaced by A.
Protein change: p.Gly325Asp; replaces glycine 325 with aspartic acid.
Molecular consequence: missense variant.
Genome position (GRCh38, 1-based): chr5:149,914,967, C>T on the plus strand (G>A on the coding strand, the complement: PDE6A is on the minus strand). VCF-style: chr5-149914967-C-T. GRCh37 (hg19) VCF-style: chr5-149294530-C-T.
Other names: short protein forms G325D.
Identifiers: ClinVar variation 938911 (VCV000938911.9), dbSNP rs1291072367, ClinGen allele CA361699156.

ClinVar aggregate classification (germline): Uncertain significance (1 of 4 stars; one submission).

Allele frequency attached by ClinVar (database versions not stated): gnomAD exomes below 0.00001; gnomAD 0.00001.
gnomAD v4.1: 2 of 1,610,098 alleles (0.00012%); highest among the groups gnomAD compares: African/African-American, 0.0027%; no homozygotes.

Submission:

Labcorp Genetics (formerly Invitae), Labcorp
Classification: Uncertain significance. Last evaluated: 2022-06-13. Review status: criteria provided, single submitter. Criteria: Invitae Variant Classification Sherloc (09022015). Collection method: clinical testing. Allele origin: germline.
Comment: ClinVar contains an entry for this variant (Variation ID: 938911). In summary, the available evidence is currently insufficient to determine the role of this variant in disease. Therefore, it has been classified as a Variant of Uncertain Significance. Algorithms developed to predict the effect of missense changes on protein structure and function are either unavailable or do not agree on the potential impact of this missense change (SIFT: "Tolerated"; PolyPhen-2: "Probably Damaging"; Align-GVGD: "Class C0"). This variant has not been reported in the literature in individuals affected with PDE6A-related conditions. This variant is present in population databases (no rsID available, gnomAD 0.007%). This sequence change replaces glycine, which is neutral and non-polar, with aspartic acid, which is acidic and polar, at codon 325 of the PDE6A protein (p.Gly325Asp).